The following is an entry in ClinVar:

ClinVar aggregate classification (germline): not provided (0 of 4 stars; one submission).

Conditions:
Episodic ataxia type 2 (EA2). Also called: ACETAZOLAMIDE-RESPONSIVE HEREDITARY PAROXYSMAL CEREBELLAR ATAXIA; CEREBELLAR ATAXIA, PAROXYSMAL, ACETAZOLAMIDE-RESPONSIVE; CEREBELLOPATHY, HEREDITARY PAROXYSMAL; EPISODIC ATAXIA, NYSTAGMUS-ASSOCIATED; ATAXIA, EPISODIC, WITH NYSTAGMUS; ATAXIA, FAMILIAL PAROXYSMAL. Identifiers: Orphanet 97, MedGen C1720416, MONDO:0007163, OMIM 108500.

Allele frequency attached by ClinVar (database versions not stated): gnomAD exomes below 0.00001.

Submissions (2):

Dr. Peter K. Rogan Lab, Western University
No classification provided (evidence only). Condition: Gastric cancer. Review status: no classification provided. Collection method: in vitro. Allele origin: not applicable. Functional consequence: retained intron. Not counted in ClinVar's aggregate classification.

UniProtKB/Swiss-Prot
No classification provided. Condition: Episodic ataxia type 2. Review status: no classification provided. Collection method: not provided. Allele origin: not provided.
Comment: G1483R in PubMed 15173248

NM_001127222.2(CACNA1A):c.4441G>A (p.Gly1481Arg)

Gene: CACNA1A (calcium voltage-gated channel subunit alpha1 A; minus strand). Cytogenetic location: 19p13.13.
Variant type: single nucleotide variant.
Coding change: c.4441G>A on transcript NM_001127222.2 (MANE Select); coding-DNA position 4441, G replaced by A.
Protein change: p.Gly1481Arg; replaces glycine 1481 with arginine.
Molecular consequence: missense variant.
Genome position (GRCh38, 1-based): chr19:13,257,499, C>T on the plus strand (G>A on the coding strand, the complement: CACNA1A is on the minus strand). VCF-style: chr19-13257499-C-T. GRCh37 (hg19) VCF-style: chr19-13368313-C-T.
Other names: G1483R; NC_000019.9:g.13368313C>T; c.4453G>A, p.Gly1485Arg (NM_000068.4, NM_023035.3); c.4444G>A, p.Gly1482Arg (NM_001127221.2, NM_001174080.2); short protein forms G1482R, G1481R, G1485R.
Identifiers: ClinVar variation 68430 (VCV000068430.2), dbSNP rs121908232, ClinGen allele CA266047.
Genomic context (GRCh38, chr19:13,257,499, plus strand): 5'-AGAAGAAGGGGAACACCACAAAGTAGACGACGTAGAAAATGGACATCTCCATGCGGTACC[C>T]GGGGCTGGGGCCCTGGTTCTCAAAGGTGGCGTCCACCGAATGCTTGAGGACCCTGCAAGG-3'
Protein context (NP_001120694.1, residues 1471-1491): ATFENQGPSP[Gly1481Arg]YRMEMSIFYV